The following is an entry in ClinVar:

ClinVar aggregate classification (germline): Uncertain significance. Review status: criteria provided, multiple submitters, no conflicts (2 of 4 stars). 2 submissions from 2 submitters: Uncertain significance (2). Last evaluated 2023-12-05.

Conditions:
Familial hypercholesterolemia. Also called: Familial hypercholesterolaemia. Identifiers: MedGen C0020445, MONDO:0005439.

Allele frequency attached by ClinVar (database versions not stated): gnomAD exomes below 0.00001; gnomAD 0.00001; TOPMed 0.00002.
gnomAD v4.1: 5 of 1,614,032 alleles (0.00031%); highest among the groups gnomAD compares: African/African-American, 0.0053%; no homozygotes.

Submissions (2):

Color Diagnostics, LLC DBA Color Health
Classification: Uncertain significance for Familial hypercholesterolemia. Last evaluated: 2023-12-05. Review status: criteria provided, single submitter. Criteria: ACMG Guidelines, 2015. Collection method: clinical testing. Allele origin: germline.
Comment: This missense variant replaces valine with glutamic acid at codon 81 of the PCSK9 protein. Computational prediction tools and conservation analyses are inconclusive regarding the impact of this variant on the protein function. Computational splicing tools suggest that this variant may not impact RNA splicing. To our knowledge, functional assays have not been performed for this variant nor has this variant been reported in individuals affected with familial hypercholesterolemia in the literature. This variant has not been identified in the general population by the Genome Aggregation Database (gnomAD). Available evidence is insufficient to determine the role of this variant in disease conclusively. Therefore, this variant is classified as a Variant of Uncertain Significance.

AiLife Diagnostics
Classification: Uncertain significance. Last evaluated: 2021-09-30. Review status: criteria provided, single submitter. Criteria: ACMG Guidelines, 2015. Collection method: clinical testing. Allele origin: germline. Affected: yes. Observed: 1 variant allele.

NM_174936.4(PCSK9):c.242T>A (p.Val81Glu)

Gene: PCSK9 (proprotein convertase subtilisin/kexin type 9; plus strand). Cytogenetic location: 1p32.3.
Variant type: single nucleotide variant.
Coding change: c.242T>A on transcript NM_174936.4 (MANE Select); coding-DNA position 242, T replaced by A.
Protein change: p.Val81Glu; replaces valine 81 with glutamic acid.
Molecular consequence: missense variant.
Genome position (GRCh38, 1-based): chr1:55,043,877, T>A. VCF-style: chr1-55043877-T-A. GRCh37 (hg19) VCF-style: chr1-55509550-T-A.
Other names: short protein forms V81E.
Identifiers: ClinVar variation 927122 (VCV000927122.6), dbSNP rs1048283339, ClinGen allele CA22795401.